The following is an entry in ClinVar:

NM_001388453.1(QRICH2):c.3789G>A (p.Glu1263=)

Gene: QRICH2 (glutamine rich 2; minus strand). Cytogenetic location: 17q25.1.
Variant type: single nucleotide variant.
Coding change: c.3789G>A on transcript NM_001388453.1 (MANE Select); coding-DNA position 3789, G replaced by A.
Protein change: p.Glu1263=; no amino-acid change (glutamic acid 1263 retained).
Molecular consequence: synonymous variant. On other transcripts: non-coding transcript variant (1).
Genome position (GRCh38, 1-based): chr17:76,290,001, C>T on the plus strand (G>A on the coding strand, the complement: QRICH2 is on the minus strand). VCF-style: chr17-76290001-C-T. GRCh37 (hg19) VCF-style: chr17-74286082-C-T.
Other names: c.3789G>A, p.Glu1263= (NM_032134.3).
Identifiers: ClinVar variation 3060372 (VCV003060372.2), dbSNP rs4789273, ClinGen allele CA8783742.

ClinVar aggregate classification (germline): Benign (0 of 4 stars; one submission).

Conditions:
QRICH2-related disorder. Also called: QRICH2-related condition.

Allele frequency attached by ClinVar (database versions not stated): gnomAD exomes 0.30528; ExAC 0.34369; ESP Exome Variant Server 0.39820; TOPMed 0.40591; 1000 Genomes Project 0.45387; 1000 Genomes Project 30x 0.45581.

Submission:

PreventionGenetics, part of Exact Sciences
Classification: Benign for QRICH2-related condition. Last evaluated: 2021-04-10. Review status: no assertion criteria provided. Collection method: clinical testing. Allele origin: germline.
Comment: This variant is classified as benign based on ACMG/AMP sequence variant interpretation guidelines (Richards et al. 2015 PMID: 25741868, with internal and published modifications).